The following is an entry in ClinVar:

NM_199355.4(ADAMTS18):c.1545T>C (p.Tyr515=)

Gene: ADAMTS18 (ADAM metallopeptidase with thrombospondin type 1 motif 18; minus strand). Cytogenetic location: 16q23.1.
Variant type: single nucleotide variant.
Coding change: c.1545T>C on transcript NM_199355.4 (MANE Select); coding-DNA position 1545, T replaced by C.
Protein change: p.Tyr515=; no amino-acid change (tyrosine 515 retained).
Molecular consequence: synonymous variant.
Genome position (GRCh38, 1-based): chr16:77,353,802, A>G on the plus strand (T>C on the coding strand, the complement: ADAMTS18 is on the minus strand). VCF-style: chr16-77353802-A-G. GRCh37 (hg19) VCF-style: chr16-77387699-A-G.
Other names: c.1029T>C, p.Tyr343= (NM_001326358.2); c.1545T>C (NM_199355.3).
Identifiers: ClinVar variation 1136703 (VCV001136703.12), dbSNP rs143834533, ClinGen allele CA8181275.

ClinVar aggregate classification (germline): Likely benign. Review status: criteria provided, multiple submitters, no conflicts (2 of 4 stars). 3 submissions from 3 submitters: Likely benign (2). 1 of the submissions does not count toward it. Last evaluated 2026-01-26.

Conditions:
ADAMTS18-related disorder. Also called: ADAMTS18-related condition.

Allele frequency attached by ClinVar (database versions not stated): ExAC 0.00012; gnomAD exomes 0.00016 and 0.00030; gnomAD 0.00023 and 0.00026; TOPMed 0.00027; ESP Exome Variant Server 0.00054.
gnomAD v4.1: 456 of 1,614,062 alleles (0.028%); highest among the groups gnomAD compares: Non-Finnish European, 0.037%; 2 homozygotes.

Submissions (3):

Labcorp Genetics (formerly Invitae), Labcorp
Classification: Likely benign. Last evaluated: 2026-01-26. Review status: criteria provided, single submitter. Criteria: Invitae Variant Classification Sherloc (09022015). Collection method: clinical testing. Allele origin: germline.

Blueprint Genetics
Classification: Likely benign. Last evaluated: 2024-11-27. Review status: criteria provided, single submitter. Criteria: ACMG Guidelines, 2015. Collection method: clinical testing. Allele origin: germline.

PreventionGenetics, part of Exact Sciences
Classification: Likely benign for ADAMTS18-related condition. Last evaluated: 2020-07-31. Review status: no assertion criteria provided. Collection method: clinical testing. Allele origin: germline. Not counted in ClinVar's aggregate classification.
Comment: This variant is classified as likely benign based on ACMG/AMP sequence variant interpretation guidelines (Richards et al. 2015 PMID: 25741868, with internal and published modifications).